The following is an entry in ClinVar:

NM_152564.5(VPS13B):c.9331-3_9331-2del

Gene: VPS13B (vacuolar protein sorting 13 homolog B; plus strand). Cytogenetic location: 8q22.2.
Variant type: Deletion.
Coding change: c.9331-3_9331-2del on transcript NM_152564.5 (MANE Select); 3 bases into the intron before coding-DNA position 9331 through the canonical splice acceptor site of the intron before coding-DNA position 9331, 2 bases deleted (TA; older notation c.9331-3_9331-2delTA).
Molecular consequence: splice acceptor variant.
Genome position (GRCh38, 1-based): chr8:99,832,366-99,832,367, TA deleted. VCF-style (leftmost placement, unchanged base first): chr8-99832365-TTA-T. GRCh37 (hg19) VCF-style: chr8-100844593-TTA-T.
Other names: c.9406-3_9406-2del (NM_017890.5).
Identifiers: ClinVar variation 4880169 (VCV004880169.1).

ClinVar aggregate classification (germline): Likely pathogenic (1 of 4 stars; one submission).

Conditions:
Primary ciliary dyskinesia. Also called: Ciliary dyskinesia. Identifiers: Orphanet 244, MedGen C0008780, MONDO:0016575, HP:0012265.

Submission:

Department of Human Genetics, Hannover Medical School
Classification: Likely pathogenic for Primary Ciliary Dyskinesia. Last evaluated: 2026-04-01. Review status: criteria provided, single submitter. Criteria: ACMG Guidelines, 2015. Collection method: research. Allele origin: germline. Affected: no.
Comment: Classification performed by HerediClassify using the following criteria:['PM2_supporting: Variant occures does not occur as homozygous in gnomAD.', 'PVS1_splicing_very_strong: Transcript ENST00000357162 undergoes NMD.']